The following is an entry in ClinVar:

NM_001698.3(AUH):c.843+155G>A

Gene: AUH (AU RNA binding methylglutaconyl-CoA hydratase; minus strand). Cytogenetic location: 9q22.31.
Variant type: single nucleotide variant.
Coding change: c.843+155G>A on transcript NM_001698.3 (MANE Select); 155 bases into the intron after coding-DNA position 843, G replaced by A.
Molecular consequence: intron variant.
Genome position (GRCh38, 1-based): chr9:91,220,650, C>T on the plus strand (G>A on the coding strand, the complement: AUH is on the minus strand). VCF-style: chr9-91220650-C-T. GRCh37 (hg19) VCF-style: chr9-93982932-C-T.
Other names: c.756+155G>A (NM_001306190.2); c.516+155G>A (NM_001351433.2, NM_001351431.2, NM_001351432.2).
Identifiers: ClinVar variation 683368 (VCV000683368.2), dbSNP rs773515, ClinGen allele CA13033980.
Genomic context (GRCh38, chr9:91,220,650, plus strand): 5'-ATAAGACCCTTGGAGCATCTTCAAAGCGTCATCAGAATTCCACAGGATCATAGTGTTTAT[C>T]TTGTGTAACTGCTCTAGTTTTACAGAGCCCACGCATCCCTTTACTTGGAAGCAAGCCAGG-3'

ClinVar aggregate classification (germline): Benign. Review status: criteria provided, multiple submitters, no conflicts (2 of 4 stars). 2 submissions from 2 submitters: Benign (2). Last evaluated 2018-06-14.

Allele frequency attached by ClinVar (database versions not stated): 1000 Genomes Project 0.43890; 1000 Genomes Project 30x 0.43973; TOPMed 0.49749; gnomAD 0.50645 and 0.50838.
gnomAD v4.1: 77,490 of 152,136 alleles (51%); highest among the groups gnomAD compares: Admixed American, 64%; 22,153 homozygotes.

Submissions (2):

GeneDx
Classification: Benign. Last evaluated: 2018-06-14. Review status: criteria provided, single submitter. Criteria: GeneDx Variant Classification (06012015). Collection method: clinical testing. Allele origin: germline. Affected: yes.
Comment: This variant is considered likely benign or benign based on one or more of the following criteria: it is a conservative change, it occurs at a poorly conserved position in the protein, it is predicted to be benign by multiple in silico algorithms, and/or has population frequency not consistent with disease.

Breakthrough Genomics
Classification: Benign. Review status: criteria provided, single submitter. Criteria: ACMG Guidelines, 2015. Collection method: not provided. Allele origin: germline. Inheritance: Autosomal recessive inheritance. Affected: yes.